The following is an entry in ClinVar:

NM_001039591.3(USP9X):c.5555A>C (p.Gln1852Pro)

Gene: USP9X (ubiquitin specific peptidase 9 X-linked; plus strand). Cytogenetic location: Xp11.4.
Variant type: single nucleotide variant.
Coding change: c.5555A>C on transcript NM_001039591.3 (MANE Select); coding-DNA position 5555, A replaced by C.
Protein change: p.Gln1852Pro; replaces glutamine 1852 with proline.
Molecular consequence: missense variant.
Genome position (GRCh38, 1-based): chrX:41,216,122, A>C. VCF-style: chrX-41216122-A-C. GRCh37 (hg19) VCF-style: chrX-41075375-A-C.
Other names: c.5555A>C, p.Gln1852Pro (NM_001039590.3); c.5570A>C, p.Gln1857Pro (NM_001410748.1, NM_001410749.1); short protein forms Q1852P, Q1857P.
Identifiers: ClinVar variation 3900774 (VCV003900774.1).

ClinVar aggregate classification (germline): Uncertain significance (1 of 4 stars; one submission).

gnomAD v4.1: 3 of 1,209,924 alleles (0.00025%); highest among the groups gnomAD compares: African/African-American, 0.0053%; no homozygotes.

Submission:

GeneDx
Classification: Uncertain significance. Last evaluated: 2024-11-27. Review status: criteria provided, single submitter. Criteria: GeneDx Variant Classification Process June 2021. Collection method: clinical testing. Allele origin: germline. Affected: yes.
Comment: In silico analysis indicates that this missense variant does not alter protein structure/function; Has not been previously published as pathogenic or benign to our knowledge